The following is an entry in ClinVar:

NM_014679.5(CEP57):c.1462C>T (p.Gln488Ter)

Gene: CEP57 (centrosomal protein 57; plus strand). Cytogenetic location: 11q21.
Variant type: single nucleotide variant.
Coding change: c.1462C>T on transcript NM_014679.5 (MANE Select); coding-DNA position 1462, C replaced by T.
Protein change: p.Gln488Ter; replaces glutamine 488 with a stop codon.
Molecular consequence: nonsense.
Genome position (GRCh38, 1-based): chr11:95,831,215, C>T. VCF-style: chr11-95831215-C-T. GRCh37 (hg19) VCF-style: chr11-95564379-C-T.
Other names: c.1435C>T, p.Gln479Ter (NM_001243776.2); c.1384C>T, p.Gln462Ter (NM_001243777.2); c.1381C>T, p.Gln461Ter (NM_001363604.2, NM_001440869.1, NM_001440870.1); c.1354C>T, p.Gln452Ter (NM_001440871.1); c.1345C>T, p.Gln449Ter (NM_001440872.1); c.1282C>T, p.Gln428Ter (NM_001440873.1); c.1276C>T, p.Gln426Ter (NM_001440874.1); c.1273C>T, p.Gln425Ter (NM_001440875.1); and 6 more; short protein forms Q387*, Q389*, Q401*, Q413*, Q422*, Q423*, Q425*, Q426*.
Identifiers: ClinVar variation 4851905 (VCV004851905.1).
Genomic context (GRCh38, chr11:95,831,215, plus strand): 5'-CTGAGACCTGGAGAAAAAAGGAGAAAAAATCTTCAGTTATTGAAGGACATGCAAAGCATA[C>T]AGAATTCATTACAAAGCAGTAGTTTGTGTTGGGATTACTGACTCATAACCAGGTCAGAAA-3'

ClinVar aggregate classification (germline): Uncertain significance (1 of 4 stars; one submission).

gnomAD v4.1: 1 of 1,613,398 alleles (0.000062%); highest among the groups gnomAD compares: Non-Finnish European, 0.000085%; no homozygotes.

Submission:

Dasa
Classification: Uncertain significance. Last evaluated: 2025-12-23. Review status: criteria provided, single submitter. Criteria: DASA Assertion Criteria. Collection method: clinical testing. Allele origin: germline.
Comment: NM_014679.5(CEP57):c.1462C>T (p.Gln488*) introduces a premature termination codon predicted to result in loss of normal protein function. Loss-of-function is an established mechanism of disease for this gene. The variant is present at low frequency in population datasets. Based on the available data, this variant is classified as variant of uncertain significance.